The following is an entry in ClinVar:

NM_025137.4(SPG11):c.3175_3176delinsTG (p.Ala1059Ter)

Gene: SPG11 (SPG11 vesicle trafficking associated, spatacsin; minus strand). Cytogenetic location: 15q21.1.
Variant type: Indel.
Coding change: c.3175_3176delinsTG on transcript NM_025137.4 (MANE Select); coding-DNA positions 3175 to 3176, GC replaced by TG.
Protein change: p.Ala1059Ter; replaces alanine 1059 with a stop codon.
Molecular consequence: nonsense.
Genome position (GRCh38, 1-based): chr15:44,610,955-44,610,956, GC replaced by CA on the plus strand (GC replaced by TG on the coding strand, the reverse complement: SPG11 is on the minus strand). VCF-style: chr15-44610955-GC-CA. GRCh37 (hg19) VCF-style: chr15-44903153-GC-CA.
Other names: c.3175_3176delinsTG, p.Ala1059Ter (NM_001160227.2, NM_001411132.1); short protein forms A1059*.
Identifiers: ClinVar variation 2811100 (VCV002811100.4), dbSNP rs2505482825, ClinGen allele CA2695220078.

ClinVar aggregate classification (germline): Pathogenic. Review status: criteria provided, multiple submitters, no conflicts (2 of 4 stars). 2 submissions from 2 submitters: Pathogenic (2). Last evaluated 2024-01-26.

Conditions:
Charcot-Marie-Tooth disease axonal type 2X. Also called: CHARCOT-MARIE-TOOTH DISEASE, AXONAL, AUTOSOMAL RECESSIVE, TYPE 2X; CHARCOT-MARIE-TOOTH NEUROPATHY, TYPE 2X. Identifiers: Orphanet 466775, MedGen C5569024, MONDO:0014726, OMIM 616668.
Hereditary spastic paraplegia 11. Also called: Nakamura Osame syndrome; Autosomal recessive hereditary spastic paraplegia, mental impairment, and thin corpus callosum; SPASTIC PARAPLEGIA, AUTOSOMAL RECESSIVE, COMPLICATED, WITH THIN CORPUS CALLOSUM; SPASTIC PARAPLEGIA, AUTOSOMAL RECESSIVE, WITH MENTAL IMPAIRMENT AND THIN CORPUS CALLOSUM; Spastic Paraplegia 11; Spastic paraplegia, mental retardation and thin corpus callosum. Identifiers: Orphanet 2822, MedGen C1858479, MONDO:0011445, OMIM 604360.
Amyotrophic lateral sclerosis type 5 (ALS5). Also called: AMYOTROPHIC LATERAL SCLEROSIS 5, JUVENILE. Identifiers: Orphanet 300605, MedGen C1865864, MONDO:0011196, OMIM 602099.

Submissions (2):

Fulgent Genetics
Classification: Pathogenic for Amyotrophic lateral sclerosis type 5; Hereditary spastic paraplegia 11; Charcot-Marie-Tooth disease axonal type 2X. Last evaluated: 2024-01-26. Review status: criteria provided, single submitter. Criteria: ACMG Guidelines, 2015. Collection method: clinical testing. Allele origin: germline.

Labcorp Genetics (formerly Invitae), Labcorp
Classification: Pathogenic for Hereditary spastic paraplegia 11. Last evaluated: 2022-10-31. Review status: criteria provided, single submitter. Criteria: Invitae Variant Classification Sherloc (09022015). Collection method: clinical testing. Allele origin: germline.
Comment: For these reasons, this variant has been classified as Pathogenic. This variant has not been reported in the literature in individuals affected with SPG11-related conditions. Information on the frequency of this variant in the gnomAD database is not available, as this variant may be reported differently in the database. This sequence change creates a premature translational stop signal (p.Ala1059*) in the SPG11 gene. It is expected to result in an absent or disrupted protein product. Loss-of-function variants in SPG11 are known to be pathogenic (PMID: 19105190, 20110243, 22154821, 26556829).

Literature cited by the submitters: PubMed 19105190 (cited by Labcorp Genetics (formerly Invitae), Labcorp); PubMed 20110243 (cited by Labcorp Genetics (formerly Invitae), Labcorp); PubMed 22154821 (cited by Labcorp Genetics (formerly Invitae), Labcorp); PubMed 26556829 (cited by Labcorp Genetics (formerly Invitae), Labcorp).